The following is an entry in ClinVar:

NM_001852.4(COL9A2):c.340-1G>C

Gene: COL9A2 (collagen type IX alpha 2 chain; minus strand). Cytogenetic location: 1p34.2.
Variant type: single nucleotide variant.
Coding change: c.340-1G>C on transcript NM_001852.4 (MANE Select); the canonical splice acceptor site of the intron before coding-DNA position 340, G replaced by C.
Molecular consequence: splice acceptor variant.
Genome position (GRCh38, 1-based): chr1:40,312,480, C>G on the plus strand (G>C on the coding strand, the complement: COL9A2 is on the minus strand). VCF-style: chr1-40312480-C-G. GRCh37 (hg19) VCF-style: chr1-40778152-C-G.
Identifiers: ClinVar variation 3005528 (VCV003005528.3), dbSNP rs1050604245, ClinGen allele CA21042124.

ClinVar aggregate classification (germline): Uncertain significance (1 of 4 stars; one submission).

Allele frequency attached by ClinVar (database versions not stated): TOPMed below 0.00001; gnomAD 0.00001.
gnomAD v4.1: 9 of 1,613,758 alleles (0.00056%); highest among the groups gnomAD compares: Non-Finnish European, 0.00076%; no homozygotes.

Submission:

Labcorp Genetics (formerly Invitae), Labcorp
Classification: Uncertain significance. Last evaluated: 2023-12-09. Review status: criteria provided, single submitter. Criteria: Invitae Variant Classification Sherloc (09022015). Collection method: clinical testing. Allele origin: germline.
Comment: This sequence change affects an acceptor splice site in intron 6 of the COL9A2 gene. Variants that disrupt the donor or acceptor splice site typically lead to a loss of protein function (PMID: 16199547), however it is unknown whether splice variants in this region will result in a loss of function. This variant is present in population databases (no rsID available, gnomAD 0.0009%). This variant has not been reported in the literature in individuals affected with COL9A2-related conditions. Algorithms developed to predict the effect of sequence changes on RNA splicing suggest that this variant may disrupt the consensus splice site. In summary, the available evidence is currently insufficient to determine the role of this variant in disease. Therefore, it has been classified as a Variant of Uncertain Significance.

Literature cited by the submitters: PubMed 16199547.